The following is an entry in ClinVar:

NM_000051.4(ATM):c.6288A>C (p.Glu2096Asp)

Genes: C11orf65 (chromosome 11 open reading frame 65; minus strand), ATM (ATM serine/threonine kinase; plus strand). Cytogenetic location: 11q22.3.
Variant type: single nucleotide variant.
Coding change: c.6288A>C on transcript NM_000051.4 (MANE Select); coding-DNA position 6288, A replaced by C.
Protein change: p.Glu2096Asp; replaces glutamic acid 2096 with aspartic acid.
Molecular consequence: missense variant. On other transcripts: intron variant (2).
Genome position (GRCh38, 1-based): chr11:108,317,462, A>C. VCF-style: chr11-108317462-A-C. GRCh37 (hg19) VCF-style: chr11-108188189-A-C.
Other names: c.6288A>C, p.Glu2096Asp (NM_001351834.2); c.641-8391T>G (NM_001330368.2); c.*39-8391T>G (NM_001351110.2); short protein forms E2096D.
Identifiers: ClinVar variation 1752625 (VCV001752625.2), dbSNP rs2547115739, ClinGen allele CA382552037.
Genomic context (GRCh38, chr11:108,317,462, plus strand): 5'-TCTTTCCGTCTATTTAAAAGGATTGGATTATGAAAATAAAGACTGGTGTCCTGAACTAGA[A>C]GAACTTCATTACCAAGCAGCATGGAGGAATATGCAGTGGGACCATTGCACTTCCGTCAGG-3'
Protein context (NP_000042.3, residues 2086-2106): YENKDWCPEL[Glu2096Asp]ELHYQAAWRN

ClinVar aggregate classification (germline): Uncertain significance (1 of 4 stars; one submission).

Conditions:
Hereditary cancer-predisposing syndrome. Also called: Hereditary neoplastic syndrome; Neoplastic Syndromes, Hereditary; Tumor predisposition; Hereditary Cancer Syndrome. Identifiers: Orphanet 140162, MedGen C0027672, MeSH D009386, MONDO:0015356.

Submission:

Ambry Genetics
Classification: Uncertain significance for Hereditary cancer-predisposing syndrome. Last evaluated: 2022-07-17. Review status: criteria provided, single submitter. Criteria: Ambry Variant Classification Scheme 2023. Collection method: clinical testing. Allele origin: germline.
Comment: The p.E2096D variant (also known as c.6288A>C), located in coding exon 42 of the ATM gene, results from an A to C substitution at nucleotide position 6288. The glutamic acid at codon 2096 is replaced by aspartic acid, an amino acid with highly similar properties. This amino acid position is conserved. In addition, this alteration is predicted to be tolerated by in silico analysis. Since supporting evidence is limited at this time, the clinical significance of this alteration remains unclear.